The following is an entry in ClinVar:

ClinVar aggregate classification (germline): Uncertain significance (1 of 4 stars; one submission).

Allele frequency attached by ClinVar (database versions not stated): gnomAD exomes below 0.00001; TOPMed below 0.00001; gnomAD 0.00001.

Submission:

Labcorp Genetics (formerly Invitae), Labcorp
Classification: Uncertain significance. Last evaluated: 2021-12-22. Review status: criteria provided, single submitter. Criteria: Invitae Variant Classification Sherloc (09022015). Collection method: clinical testing. Allele origin: germline.
Comment: In summary, the available evidence is currently insufficient to determine the role of this variant in disease. Therefore, it has been classified as a Variant of Uncertain Significance. Algorithms developed to predict the effect of missense changes on protein structure and function output the following: SIFT: "Deleterious"; PolyPhen-2: "Benign"; Align-GVGD: "Class C0". The valine amino acid residue is found in multiple mammalian species, which suggests that this missense change does not adversely affect protein function. This variant has not been reported in the literature in individuals affected with USH2A-related conditions. This variant is not present in population databases (gnomAD no frequency). This sequence change replaces methionine, which is neutral and non-polar, with valine, which is neutral and non-polar, at codon 3407 of the USH2A protein (p.Met3407Val).

NM_206933.4(USH2A):c.10219A>G (p.Met3407Val)

Gene: USH2A (usherin; minus strand). Cytogenetic location: 1q41.
Variant type: single nucleotide variant.
Coding change: c.10219A>G on transcript NM_206933.4 (MANE Select); coding-DNA position 10219, A replaced by G.
Protein change: p.Met3407Val; replaces methionine 3407 with valine.
Molecular consequence: missense variant.
Genome position (GRCh38, 1-based): chr1:215,786,838, T>C on the plus strand (A>G on the coding strand, the complement: USH2A is on the minus strand). VCF-style: chr1-215786838-T-C. GRCh37 (hg19) VCF-style: chr1-215960180-T-C.
Other names: short protein forms M3407V.
Identifiers: ClinVar variation 2415809 (VCV002415809.5), dbSNP rs1475654449, ClinGen allele CA344840466.